The following is an entry in ClinVar:

NM_024675.4(PALB2):c.2514+18T>G

Gene: PALB2 (partner and localizer of BRCA2; minus strand). Cytogenetic location: 16p12.2.
Variant type: single nucleotide variant.
Coding change: c.2514+18T>G on transcript NM_024675.4 (MANE Select); 18 bases into the intron after coding-DNA position 2514, T replaced by G.
Molecular consequence: intron variant.
Genome position (GRCh38, 1-based): chr16:23,629,622, A>C on the plus strand (T>G on the coding strand, the complement: PALB2 is on the minus strand). VCF-style: chr16-23629622-A-C. GRCh37 (hg19) VCF-style: chr16-23640943-A-C.
Identifiers: ClinVar variation 381294 (VCV000381294.12), dbSNP rs1057521010, ClinGen allele CA16608112.

ClinVar aggregate classification (germline): Likely benign. Review status: criteria provided, multiple submitters, no conflicts (2 of 4 stars). 3 submissions from 3 submitters: Likely benign (3). Last evaluated 2025-12-24.

Conditions:
Hereditary cancer-predisposing syndrome. Also called: Tumor predisposition; Hereditary neoplastic syndrome; Neoplastic Syndromes, Hereditary; Hereditary Cancer Syndrome. Identifiers: Orphanet 140162, MedGen C0027672, MeSH D009386, MONDO:0015356.
Familial cancer of breast. Also called: hereditary breast carcinoma; Hereditary breast cancer; BREAST CANCER, FAMILIAL. Identifiers: Orphanet 227535, MedGen C0346153, MONDO:0016419, OMIM 114480. Disease mechanism: loss of function.

Allele frequency attached by ClinVar (database versions not stated): gnomAD exomes below 0.00001.
gnomAD v4.1: 1 of 1,610,770 alleles (0.000062%); highest among the groups gnomAD compares: Non-Finnish European, 0.000085%; no homozygotes.

Submissions (3):

Labcorp Genetics (formerly Invitae), Labcorp
Classification: Likely benign for Familial cancer of breast. Last evaluated: 2025-12-24. Review status: criteria provided, single submitter. Criteria: Invitae Variant Classification Sherloc (09022015). Collection method: clinical testing. Allele origin: germline.

Color Diagnostics, LLC DBA Color Health
Classification: Likely benign for Hereditary cancer-predisposing syndrome. Last evaluated: 2019-03-25. Review status: criteria provided, single submitter. Criteria: ACMG Guidelines, 2015. Collection method: clinical testing. Allele origin: germline.

GeneDx
Classification: Likely benign. Last evaluated: 2015-10-30. Review status: criteria provided, single submitter. Criteria: GeneDx Variant Classification (06012015). Collection method: clinical testing. Allele origin: germline. Affected: yes.
Comment: This variant is considered likely benign or benign based on one or more of the following criteria: it is a conservative change, it occurs at a poorly conserved position in the protein, it is predicted to be benign by multiple in silico algorithms, and/or has population frequency not consistent with disease.